The following is an entry in ClinVar:

NM_000836.4(GRIN2D):c.2755G>A (p.Ala919Thr)

Gene: GRIN2D (glutamate ionotropic receptor NMDA type subunit 2D; plus strand). Cytogenetic location: 19q13.33.
Variant type: single nucleotide variant.
Coding change: c.2755G>A on transcript NM_000836.4 (MANE Select); coding-DNA position 2755, G replaced by A.
Protein change: p.Ala919Thr; replaces alanine 919 with threonine.
Molecular consequence: missense variant.
Genome position (GRCh38, 1-based): chr19:48,442,681, G>A. VCF-style: chr19-48442681-G-A. GRCh37 (hg19) VCF-style: chr19-48945938-G-A.
Other names: short protein forms A919T.
Identifiers: ClinVar variation 2162406 (VCV002162406.4), dbSNP rs1461536995, ClinGen allele CA406673467.

ClinVar aggregate classification (germline): Uncertain significance (1 of 4 stars; one submission).

Allele frequency attached by ClinVar (database versions not stated): gnomAD 0.00001; TOPMed 0.00002.

Submission:

Labcorp Genetics (formerly Invitae), Labcorp
Classification: Uncertain significance. Last evaluated: 2025-04-09. Review status: criteria provided, single submitter. Criteria: Invitae Variant Classification Sherloc (09022015). Collection method: clinical testing. Allele origin: germline.
Comment: This sequence change replaces alanine, which is neutral and non-polar, with threonine, which is neutral and polar, at codon 919 of the GRIN2D protein (p.Ala919Thr). This variant is not present in population databases (gnomAD no frequency). This variant has not been reported in the literature in individuals affected with GRIN2D-related conditions. ClinVar contains an entry for this variant (Variation ID: 2162406). Invitae Evidence Modeling of protein sequence and biophysical properties (such as structural, functional, and spatial information, amino acid conservation, physicochemical variation, residue mobility, and thermodynamic stability) indicates that this missense variant is not expected to disrupt GRIN2D protein function with a negative predictive value of 95%. In summary, the available evidence is currently insufficient to determine the role of this variant in disease. Therefore, it has been classified as a Variant of Uncertain Significance.